The following is an entry in ClinVar:

ClinVar aggregate classification (germline): Uncertain significance (1 of 4 stars; one submission).

Submission:

GeneDx
Classification: Uncertain significance. Last evaluated: 2025-03-24. Review status: criteria provided, single submitter. Criteria: GeneDx Variant Classification Process June 2021. Collection method: clinical testing. Allele origin: germline. Affected: yes.
Comment: Not observed at significant frequency in large population cohorts (gnomAD); In silico analysis supports that this missense variant has a deleterious effect on protein structure/function; Has not been previously published as pathogenic or benign to our knowledge

NM_001001331.4(ATP2B2):c.274C>G (p.Pro92Ala)

Gene: ATP2B2 (ATPase plasma membrane Ca2+ transporting 2; minus strand). Cytogenetic location: 3p25.3.
Variant type: single nucleotide variant.
Coding change: c.274C>G on transcript NM_001001331.4 (MANE Select); coding-DNA position 274, C replaced by G.
Protein change: p.Pro92Ala; replaces proline 92 with alanine.
Molecular consequence: missense variant.
Genome position (GRCh38, 1-based): chr3:10,410,741, G>C on the plus strand (C>G on the coding strand, the complement: ATP2B2 is on the minus strand). VCF-style: chr3-10410741-G-C. GRCh37 (hg19) VCF-style: chr3-10452425-G-C.
Other names: c.274C>G, p.Pro92Ala (NM_001330611.3, NM_001353564.1, NM_001363862.1 and 3 more transcripts); short protein forms P92A.
Identifiers: ClinVar variation 4087873 (VCV004087873.1).